The following is an entry in ClinVar:

ClinVar aggregate classification (germline): Uncertain significance (1 of 4 stars; one submission).

Conditions:
Familial cancer of breast. Also called: hereditary breast carcinoma; BREAST CANCER, FAMILIAL; Hereditary breast cancer. Identifiers: Orphanet 227535, MedGen C0346153, MONDO:0016419, OMIM 114480. Disease mechanism: loss of function.

Submission:

Labcorp Genetics (formerly Invitae), Labcorp
Classification: Uncertain significance for Familial cancer of breast. Last evaluated: 2024-09-03. Review status: criteria provided, single submitter. Criteria: Invitae Variant Classification Sherloc (09022015). Collection method: clinical testing. Allele origin: germline.
Comment: This sequence change replaces serine, which is neutral and polar, with arginine, which is basic and polar, at codon 342 of the BARD1 protein (p.Ser342Arg). This variant is not present in population databases (gnomAD no frequency). This variant has not been reported in the literature in individuals affected with BARD1-related conditions. ClinVar contains an entry for this variant (Variation ID: 2111504). An algorithm developed to predict the effect of missense changes on protein structure and function outputs the following: PolyPhen-2: "Benign". The arginine amino acid residue is found in multiple mammalian species, which suggests that this missense change does not adversely affect protein function. In summary, the available evidence is currently insufficient to determine the role of this variant in disease. Therefore, it has been classified as a Variant of Uncertain Significance.

NM_000465.4(BARD1):c.1026C>G (p.Ser342Arg)

Gene: BARD1 (BRCA1 associated RING domain 1; minus strand). Cytogenetic location: 2q35.
Variant type: single nucleotide variant.
Coding change: c.1026C>G on transcript NM_000465.4 (MANE Select); coding-DNA position 1026, C replaced by G.
Protein change: p.Ser342Arg; replaces serine 342 with arginine.
Molecular consequence: missense variant. On other transcripts: non-coding transcript variant (2), intron variant (3).
Genome position (GRCh38, 1-based): chr2:214,780,848, G>C on the plus strand (C>G on the coding strand, the complement: BARD1 is on the minus strand). VCF-style: chr2-214780848-G-C. GRCh37 (hg19) VCF-style: chr2-215645572-G-C.
Other names: c.969C>G, p.Ser323Arg (NM_001282543.2); c.159-28293C>G (NM_001282548.2); c.215+16213C>G (NM_001282545.2); c.364+11449C>G (NM_001282549.2); short protein forms S342R, S323R.
Identifiers: ClinVar variation 2111504 (VCV002111504.4), dbSNP rs1694969503, ClinGen allele CA350454290.
Genomic context (GRCh38, chr2:214,780,848, plus strand): 5'-ACATTCAGGCAATGGTATATTTTCTGAGGGCACCGTTTGCTTAACAAAATCTCCACTGGT[G>C]CTCAGAATGCTGGTTCTACATCTCTTAGAAATGGGACTGGAAAGTCTATTGTGATGGCCA-3'
Protein context (NP_000456.2, residues 332-352): ISKRCRTSIL[Ser342Arg]TSGDFVKQTV